The following is an entry in ClinVar:

ClinVar aggregate classification (germline): Benign/Likely benign. Review status: criteria provided, multiple submitters, no conflicts (2 of 4 stars). 3 submissions from 3 submitters: Benign (1); Likely benign (1). 1 of the submissions does not count toward it. Last evaluated 2026-01-06.

Conditions:
MCM2-related disorder. Also called: MCM2-related condition.

Allele frequency attached by ClinVar (database versions not stated): gnomAD exomes 0.00024 and 0.00064; ExAC 0.00075; 1000 Genomes Project 0.00200; 1000 Genomes Project 30x 0.00203; gnomAD 0.00242 and 0.00255; TOPMed 0.00257; ESP Exome Variant Server 0.00269.
gnomAD v4.1: 723 of 1,613,384 alleles (0.045%); highest among the groups gnomAD compares: African/African-American, 0.9%; 5 homozygotes.

Submissions (3):

Labcorp Genetics (formerly Invitae), Labcorp
Classification: Likely benign. Last evaluated: 2026-01-06. Review status: criteria provided, single submitter. Criteria: Invitae Variant Classification Sherloc (09022015). Collection method: clinical testing. Allele origin: germline.

GeneDx
Classification: Benign. Last evaluated: 2020-08-07. Review status: criteria provided, single submitter. Criteria: GeneDx Variant Classification Process June 2021. Collection method: clinical testing. Allele origin: germline. Affected: yes.

PreventionGenetics, part of Exact Sciences
Classification: Benign for MCM2-related condition. Last evaluated: 2021-01-13. Review status: no assertion criteria provided. Collection method: clinical testing. Allele origin: germline. Not counted in ClinVar's aggregate classification.
Comment: This variant is classified as benign based on ACMG/AMP sequence variant interpretation guidelines (Richards et al. 2015 PMID: 25741868, with internal and published modifications).

NM_004526.4(MCM2):c.2102C>T (p.Ala701Val)

Gene: MCM2 (minichromosome maintenance complex component 2; plus strand). Cytogenetic location: 3q21.3.
Variant type: single nucleotide variant.
Coding change: c.2102C>T on transcript NM_004526.4 (MANE Select); coding-DNA position 2102, C replaced by T.
Protein change: p.Ala701Val; replaces alanine 701 with valine.
Molecular consequence: missense variant. On other transcripts: non-coding transcript variant (1).
Genome position (GRCh38, 1-based): chr3:127,619,115, C>T. VCF-style: chr3-127619115-C-T. GRCh37 (hg19) VCF-style: chr3-127337958-C-T.
Other names: short protein forms A701V.
Identifiers: ClinVar variation 1266350 (VCV001266350.12), dbSNP rs149699620, ClinGen allele CA2596118.